The following is an entry in ClinVar:

ClinVar aggregate classification (germline): Uncertain significance (1 of 4 stars; one submission).

Submission:

Labcorp Genetics (formerly Invitae), Labcorp
Classification: Uncertain significance. Last evaluated: 2021-05-20. Review status: criteria provided, single submitter. Criteria: Invitae Variant Classification Sherloc (09022015). Collection method: clinical testing. Allele origin: germline.
Comment: In summary, the available evidence is currently insufficient to determine the role of this variant in disease. Therefore, it has been classified as a Variant of Uncertain Significance. Experimental studies and prediction algorithms are not available or were not evaluated, and the functional significance of this variant is currently unknown. This variant has not been reported in the literature in individuals with SCLT1-related conditions. This variant results in a copy number gain of the genomic region encompassing exon(s) 7-17 of the SCLT1 gene. While the exact position of this variant cannot be determined from the data, sub-genic copy number gains are generally in tandem (PMID: 25640679). This variant is predicted to be in-frame, and likely preserves the integrity of the reading frame.

Literature cited by the submitters: PubMed 25640679.

NC_000004.11:g.(?_129864131)_(129920969_?)dup

Gene: SCLT1 (sodium channel and clathrin linker 1; minus strand). Cytogenetic location: 4q28.2.
Variant type: Duplication.
Identifiers: ClinVar variation 1412735 (VCV001412735.4).